The following is an entry in ClinVar:

NM_032229.3(SLITRK6):c.2121T>A (p.Asn707Lys)

Gene: SLITRK6 (SLIT and NTRK like family member 6; minus strand). Cytogenetic location: 13q31.1.
Variant type: single nucleotide variant.
Coding change: c.2121T>A on transcript NM_032229.3 (MANE Select); coding-DNA position 2121, T replaced by A.
Protein change: p.Asn707Lys; replaces asparagine 707 with lysine.
Molecular consequence: missense variant.
Genome position (GRCh38, 1-based): chr13:85,794,388, A>T on the plus strand (T>A on the coding strand, the complement: SLITRK6 is on the minus strand). VCF-style: chr13-85794388-A-T. GRCh37 (hg19) VCF-style: chr13-86368523-A-T.
Other names: short protein forms N707K.
Identifiers: ClinVar variation 1707726 (VCV001707726.2), dbSNP rs542669828, ClinGen allele CA7014958.

ClinVar aggregate classification (germline): Uncertain significance (1 of 4 stars; one submission).

Allele frequency attached by ClinVar (database versions not stated): ExAC 0.00003; gnomAD exomes 0.00003; 1000 Genomes Project 30x 0.00016; 1000 Genomes Project 0.00020.

Submission:

GeneDx
Classification: Uncertain significance. Last evaluated: 2022-03-25. Review status: criteria provided, single submitter. Criteria: GeneDx Variant Classification Process June 2021. Collection method: clinical testing. Allele origin: germline. Affected: yes.
Comment: In silico analysis supports that this missense variant does not alter protein structure/function; Has not been previously published as pathogenic or benign to our knowledge